The following is an entry in ClinVar:

NM_000388.4(CASR):c.1342T>A (p.Ser448Thr)

Gene: CASR (calcium sensing receptor; plus strand). Cytogenetic location: 3q21.1.
Variant type: single nucleotide variant.
Coding change: c.1342T>A on transcript NM_000388.4 (MANE Select); coding-DNA position 1342, T replaced by A.
Protein change: p.Ser448Thr; replaces serine 448 with threonine.
Molecular consequence: missense variant.
Genome position (GRCh38, 1-based): chr3:122,262,377, T>A. VCF-style: chr3-122262377-T-A. GRCh37 (hg19) VCF-style: chr3-121981224-T-A.
Other names: c.1342T>A, p.Ser448Thr (NM_001178065.2); short protein forms S448T.
Identifiers: ClinVar variation 3231499 (VCV003231499.1), dbSNP rs2473229264, ClinGen allele CA354153220.

ClinVar aggregate classification (germline): Uncertain significance (1 of 4 stars; one submission).

Conditions:
Nephrolithiasis/nephrocalcinosis. Identifiers: MedGen CN580796.

Submission:

Ambry Genetics
Classification: Uncertain significance for Nephrolithiasis/nephrocalcinosis. Last evaluated: 2023-12-29. Review status: criteria provided, single submitter. Criteria: Ambry Variant Classification Scheme 2023. Collection method: clinical testing. Allele origin: germline.
Comment: The p.S448T variant (also known as c.1342T>A), located in coding exon 3 of the CASR gene, results from a T to A substitution at nucleotide position 1342. The serine at codon 448 is replaced by threonine, an amino acid with similar properties. This amino acid position is conserved. In addition, the in silico prediction for this alteration is inconclusive. Since supporting evidence is limited at this time, the clinical significance of this alteration remains unclear.